The following is an entry in ClinVar:

NM_005585.5(SMAD6):c.875-2A>T

Gene: SMAD6 (SMAD family member 6; plus strand). Cytogenetic location: 15q22.31.
Variant type: single nucleotide variant.
Coding change: c.875-2A>T on transcript NM_005585.5 (MANE Select); the canonical splice acceptor site of the intron before coding-DNA position 875, A replaced by T.
Molecular consequence: splice acceptor variant.
Genome position (GRCh38, 1-based): chr15:66,716,419, A>T. VCF-style: chr15-66716419-A-T. GRCh37 (hg19) VCF-style: chr15-67008757-A-T.
Identifiers: ClinVar variation 2013154 (VCV002013154.4), dbSNP rs2545327954, ClinGen allele CA392951447.

ClinVar aggregate classification (germline): Uncertain significance (1 of 4 stars; one submission).

Conditions:
Aortic valve disease 2 (AOVD2). Identifiers: MedGen C3542024, MONDO:0013902, OMIM 614823.

Submission:

Labcorp Genetics (formerly Invitae), Labcorp
Classification: Uncertain significance for Aortic valve disease 2. Last evaluated: 2022-07-02. Review status: criteria provided, single submitter. Criteria: Invitae Variant Classification Sherloc (09022015). Collection method: clinical testing. Allele origin: germline.
Comment: In summary, the available evidence is currently insufficient to determine the role of this variant in disease. Therefore, it has been classified as a Variant of Uncertain Significance. Algorithms developed to predict the effect of sequence changes on RNA splicing suggest that this variant may disrupt the consensus splice site. This variant has not been reported in the literature in individuals affected with SMAD6-related conditions. This variant is not present in population databases (gnomAD no frequency). This sequence change affects an acceptor splice site in intron 2 of the SMAD6 gene. It is expected to disrupt RNA splicing. Variants that disrupt the donor or acceptor splice site typically lead to a loss of protein function (PMID: 16199547), however the current clinical and genetic evidence is not sufficient to establish whether loss-of-function variants in SMAD6 cause disease.

Literature cited by the submitters: PubMed 16199547.